The following is an entry in ClinVar:

ClinVar aggregate classification (germline): Uncertain significance. Review status: criteria provided, multiple submitters, no conflicts (2 of 4 stars). 2 submissions from 2 submitters: Uncertain significance (2). Last evaluated 2024-02-17.

Allele frequency attached by ClinVar (database versions not stated): gnomAD exomes below 0.00001; TOPMed 0.00001.
gnomAD v4.1: 1 of 1,210,486 alleles (0.000083%); highest among the groups gnomAD compares: Non-Finnish European, 0.00011%; no homozygotes.

Submissions (2):

Labcorp Genetics (formerly Invitae), Labcorp
Classification: Uncertain significance. Last evaluated: 2024-02-17. Review status: criteria provided, single submitter. Criteria: Invitae Variant Classification Sherloc (09022015). Collection method: clinical testing. Allele origin: germline.
Comment: This sequence change replaces serine, which is neutral and polar, with isoleucine, which is neutral and non-polar, at codon 183 of the BCAP31 protein (p.Ser183Ile). This variant is not present in population databases (gnomAD no frequency). This variant has not been reported in the literature in individuals affected with BCAP31-related conditions. ClinVar contains an entry for this variant (Variation ID: 1419771). An algorithm developed to predict the effect of missense changes on protein structure and function (PolyPhen-2) suggests that this variant is likely to be tolerated. In summary, the available evidence is currently insufficient to determine the role of this variant in disease. Therefore, it has been classified as a Variant of Uncertain Significance.

CeGaT Center for Human Genetics Tuebingen
Classification: Uncertain significance. Last evaluated: 2022-06-01. Review status: criteria provided, single submitter. Criteria: CeGaT Center For Human Genetics Tuebingen Variant Classification Criteria Version 2. Collection method: clinical testing. Allele origin: germline. Affected: yes. Observed: 1 variant allele.
Comment: BCAP31: PM2, BP4

NM_001256447.2(BCAP31):c.548G>T (p.Ser183Ile)

Gene: BCAP31 (B cell receptor associated protein 31; minus strand). Cytogenetic location: Xq28.
Variant type: single nucleotide variant.
Coding change: c.548G>T on transcript NM_001256447.2 (MANE Select); coding-DNA position 548, G replaced by T.
Protein change: p.Ser183Ile; replaces serine 183 with isoleucine.
Molecular consequence: missense variant.
Genome position (GRCh38, 1-based): chrX:153,702,988, C>A on the plus strand (G>T on the coding strand, the complement: BCAP31 is on the minus strand). VCF-style: chrX-153702988-C-A. GRCh37 (hg19) VCF-style: chrX-152968443-C-A.
Other names: c.548G>T, p.Ser183Ile (NM_001139441.1, NM_005745.8); c.749G>T, p.Ser250Ile (NM_001139457.2); short protein forms S183I, S250I.
Identifiers: ClinVar variation 1419771 (VCV001419771.29), dbSNP rs2091528981, ClinGen allele CA415093392.